The following is an entry in ClinVar:

ClinVar aggregate classification (germline): Pathogenic (1 of 4 stars; one submission).

Conditions:
Combined malonic and methylmalonic acidemia. Identifiers: Orphanet 289504, MedGen C3280314, MONDO:0013661, OMIM 614265.

Submission:

Labcorp Genetics (formerly Invitae), Labcorp
Classification: Pathogenic for Combined malonic and methylmalonic acidemia. Last evaluated: 2021-08-12. Review status: criteria provided, single submitter. Criteria: Invitae Variant Classification Sherloc (09022015). Collection method: clinical testing. Allele origin: germline.
Comment: This variant is a gross deletion of the genomic region encompassing exon(s) 8 of the ACSF3 gene. This deletion is out-of-frame, and is expected to create a premature termination codon and result in an absent or disrupted protein product. Loss-of-function variants in ACSF3 are known to be pathogenic (PMID: 21841779, 26827111). This variant has not been reported in the literature in individuals affected with ACSF3-related conditions. For these reasons, this variant has been classified as Pathogenic.

Literature cited by the submitters: PubMed 21841779; PubMed 26827111.

NC_000016.9:g.(?_89199534)_(89199680_?)del

Gene: ACSF3 (acyl-CoA synthetase family member 3; plus strand). Cytogenetic location: 16q24.3.
Variant type: Deletion.
Identifiers: ClinVar variation 1072093 (VCV001072093.6).